The following is an entry in ClinVar:

NM_004415.4(DSP):c.8260G>A (p.Gly2754Arg)

Gene: DSP (desmoplakin; plus strand). Cytogenetic location: 6p24.3.
Variant type: single nucleotide variant.
Coding change: c.8260G>A on transcript NM_004415.4 (MANE Select); coding-DNA position 8260, G replaced by A.
Protein change: p.Gly2754Arg; replaces glycine 2754 with arginine.
Molecular consequence: missense variant.
Genome position (GRCh38, 1-based): chr6:7,585,522, G>A. VCF-style: chr6-7585522-G-A. GRCh37 (hg19) VCF-style: chr6-7585755-G-A.
Other names: c.6463G>A, p.Gly2155Arg (NM_001008844.3); c.6931G>A, p.Gly2311Arg (NM_001319034.2); short protein forms G2155R, G2311R, G2754R.
Identifiers: ClinVar variation 3070002 (VCV003070002.3), dbSNP rs2113704632, ClinGen allele CA362694781.

ClinVar aggregate classification (germline): Uncertain significance. Review status: criteria provided, multiple submitters, no conflicts (2 of 4 stars). 2 submissions from 2 submitters: Uncertain significance (2). Last evaluated 2024-09-22.

Conditions:
Arrhythmogenic right ventricular dysplasia 8 (ARVD8). Also called: Arrhythmogenic Right Ventricular Dysplasia/Cardiomyopathy 8; ARRHYTHMOGENIC RIGHT VENTRICULAR DYSPLASIA, FAMILIAL, 8; ARRHYTHMOGENIC RIGHT VENTRICULAR CARDIOMYOPATHY 8. Identifiers: MedGen C1843896, MONDO:0011831, OMIM 607450.
Arrhythmogenic cardiomyopathy with wooly hair and keratoderma. Also called: Carvajal syndrome; PALMOPLANTAR KERATODERMA WITH LEFT VENTRICULAR CARDIOMYOPATHY AND WOOLLY HAIR; Dilated cardiomyopathy with woolly hair and keratoderma; Arrhythmogenic cardiomyopathy with woolly hair and keratoderma. Identifiers: Orphanet 65282, MedGen C1854063, MONDO:0011581, OMIM 605676.

Allele frequency attached by ClinVar (database versions not stated): gnomAD exomes below 0.00001.
gnomAD v4.1: 1 of 1,614,168 alleles (0.000062%); highest among the groups gnomAD compares: South Asian, 0.0011%; no homozygotes.

Submissions (2):

Labcorp Genetics (formerly Invitae), Labcorp
Classification: Uncertain significance for Arrhythmogenic cardiomyopathy with wooly hair and keratoderma; Arrhythmogenic right ventricular dysplasia 8. Last evaluated: 2024-09-22. Review status: criteria provided, single submitter. Criteria: Invitae Variant Classification Sherloc (09022015). Collection method: clinical testing. Allele origin: germline.
Comment: This sequence change replaces glycine, which is neutral and non-polar, with arginine, which is basic and polar, at codon 2754 of the DSP protein (p.Gly2754Arg). This variant is not present in population databases (gnomAD no frequency). This variant has not been reported in the literature in individuals affected with DSP-related conditions. An algorithm developed to predict the effect of missense changes on protein structure and function (PolyPhen-2) suggests that this variant is likely to be disruptive. In summary, the available evidence is currently insufficient to determine the role of this variant in disease. Therefore, it has been classified as a Variant of Uncertain Significance.

All of Us Research Program, National Institutes of Health
Classification: Uncertain significance for Arrhythmogenic cardiomyopathy with wooly hair and keratoderma. Last evaluated: 2023-03-28. Review status: criteria provided, single submitter. Criteria: ACMG Guidelines, 2015. Collection method: clinical testing. Allele origin: germline. Inheritance: Autosomal dominant inheritance. Observed: 1 variant allele, 1 heterozygote.
Comment: This study involves interpretation of variants in research participants for the purpose of population health screening. Participant phenotype was not available at the time of variant classification. Additional details can be found in publication PMID: 35346344, PMCID: PMC8962531